The following is an entry in ClinVar:

ClinVar aggregate classification (germline): Uncertain significance (1 of 4 stars; one submission).

Submission:

Ambry Genetics
Classification: Uncertain significance. Last evaluated: 2023-12-10. Review status: criteria provided, single submitter. Criteria: Ambry Variant Classification Scheme 2023. Collection method: clinical testing. Allele origin: germline.
Comment: The p.H1521D variant (also known as c.4561C>G), located in coding exon 16 of the POLQ gene, results from a C to G substitution at nucleotide position 4561. The histidine at codon 1521 is replaced by aspartic acid, an amino acid with similar properties. This amino acid position is conserved. In addition, this alteration is predicted to be tolerated by in silico analysis. Since supporting evidence is limited at this time, the clinical significance of this alteration remains unclear.

NM_199420.4(POLQ):c.4561C>G (p.His1521Asp)

Gene: POLQ (DNA polymerase theta; minus strand). Cytogenetic location: 3q13.33.
Variant type: single nucleotide variant.
Coding change: c.4561C>G on transcript NM_199420.4 (MANE Select); coding-DNA position 4561, C replaced by G.
Protein change: p.His1521Asp; replaces histidine 1521 with aspartic acid.
Molecular consequence: missense variant.
Genome position (GRCh38, 1-based): chr3:121,488,370, G>C on the plus strand (C>G on the coding strand, the complement: POLQ is on the minus strand). VCF-style: chr3-121488370-G-C. GRCh37 (hg19) VCF-style: chr3-121207217-G-C.
Other names: short protein forms H1521D.
Identifiers: ClinVar variation 3230007 (VCV003230007.1), dbSNP rs2546785784, ClinGen allele CA354094713.
Genomic context (GRCh38, chr3:121,488,370, plus strand): 5'-TCTCATTTACATTTGATTTTTTAATTAGGTCTTCTTGTAGACACAGAGAATCACTAAAAT[G>C]GTTTGATGTTACTTCTGAAGGAAGGGGTTCTTTCATTTGCATATCAGGTAATTGTTCTTT-3'
Protein context (NP_955452.3, residues 1511-1531): EPLPSEVTSN[His1521Asp]FSDSLCLQED